The following is an entry in ClinVar:

ClinVar aggregate classification (germline): Uncertain significance (1 of 4 stars; one submission).

Allele frequency attached by ClinVar (database versions not stated): gnomAD 0.00005; TOPMed 0.00005; gnomAD exomes 0.00006 and 0.00011; ExAC 0.00015.
gnomAD v4.1: 93 of 1,612,442 alleles (0.0058%); highest among the groups gnomAD compares: South Asian, 0.066%; 2 homozygotes.

Submission:

Labcorp Genetics (formerly Invitae), Labcorp
Classification: Uncertain significance. Last evaluated: 2022-09-27. Review status: criteria provided, single submitter. Criteria: Invitae Variant Classification Sherloc (09022015). Collection method: clinical testing. Allele origin: germline.
Comment: This sequence change replaces arginine, which is basic and polar, with glutamine, which is neutral and polar, at codon 3455 of the PCLO protein (p.Arg3455Gln). This variant is present in population databases (rs756859068, gnomAD 0.07%). This variant has not been reported in the literature in individuals affected with PCLO-related conditions. ClinVar contains an entry for this variant (Variation ID: 1517847). Algorithms developed to predict the effect of missense changes on protein structure and function are either unavailable or do not agree on the potential impact of this missense change (SIFT: "Deleterious"; PolyPhen-2: "Not Available"; Align-GVGD: "Class C0"). In summary, the available evidence is currently insufficient to determine the role of this variant in disease. Therefore, it has been classified as a Variant of Uncertain Significance.

NM_033026.6(PCLO):c.10364G>A (p.Arg3455Gln)

Gene: PCLO (piccolo presynaptic cytomatrix protein; minus strand). Cytogenetic location: 7q21.11.
Variant type: single nucleotide variant.
Coding change: c.10364G>A on transcript NM_033026.6 (MANE Select); coding-DNA position 10364, G replaced by A.
Protein change: p.Arg3455Gln; replaces arginine 3455 with glutamine.
Molecular consequence: missense variant.
Genome position (GRCh38, 1-based): chr7:82,950,224, C>T on the plus strand (G>A on the coding strand, the complement: PCLO is on the minus strand). VCF-style: chr7-82950224-C-T. GRCh37 (hg19) VCF-style: chr7-82579540-C-T.
Other names: c.10364G>A, p.Arg3455Gln (NM_014510.3); short protein forms R3455Q.
Identifiers: ClinVar variation 1517847 (VCV001517847.3), dbSNP rs756859068, ClinGen allele CA4319746.